The following is an entry in ClinVar:

NM_032108.4(SEMA6B):c.1291G>A (p.Ala431Thr)

Gene: SEMA6B (semaphorin 6B; minus strand). Cytogenetic location: 19p13.3.
Variant type: single nucleotide variant.
Coding change: c.1291G>A on transcript NM_032108.4 (MANE Select); coding-DNA position 1291, G replaced by A.
Protein change: p.Ala431Thr; replaces alanine 431 with threonine.
Molecular consequence: missense variant.
Genome position (GRCh38, 1-based): chr19:4,548,426, C>T on the plus strand (G>A on the coding strand, the complement: SEMA6B is on the minus strand). VCF-style: chr19-4548426-C-T. GRCh37 (hg19) VCF-style: chr19-4548438-C-T.
Other names: short protein forms A431T.
Identifiers: ClinVar variation 3774081 (VCV003774081.1).

ClinVar aggregate classification (germline): Uncertain significance (1 of 4 stars; one submission).

Submission:

GeneDx
Classification: Uncertain significance. Last evaluated: 2024-09-18. Review status: criteria provided, single submitter. Criteria: GeneDx Variant Classification Process June 2021. Collection method: clinical testing. Allele origin: germline. Affected: yes.
Comment: Not observed at significant frequency in large population cohorts (gnomAD); In silico analysis supports that this missense variant has a deleterious effect on protein structure/function; Has not been previously published as pathogenic or benign to our knowledge